The following is an entry in ClinVar:

ClinVar aggregate classification (germline): Uncertain significance. Review status: criteria provided, multiple submitters, no conflicts (2 of 4 stars). 2 submissions from 2 submitters: Uncertain significance (2). Last evaluated 2026-08-19.

Conditions:
Hereditary cancer-predisposing syndrome. Also called: Neoplastic Syndromes, Hereditary; Hereditary Cancer Syndrome; Hereditary neoplastic syndrome; Tumor predisposition. Identifiers: Orphanet 140162, MedGen C0027672, MeSH D009386, MONDO:0015356.
Neuroblastoma, susceptibility to, 3. Also called: ALK-Related Neuroblastic Tumor Susceptibility. Identifiers: Orphanet 635, MedGen C2751681, MONDO:0013083, OMIM 613014.

Submissions (2):

Ambry Genetics
Classification: Uncertain significance for Hereditary cancer-predisposing syndrome. Last evaluated: 2026-08-19. Review status: criteria provided, single submitter. Criteria: Ambry Variant Classification Scheme 2023. Collection method: clinical testing. Allele origin: germline.
Comment: The p.V132L variant (also known as c.394G>T), located in coding exon 1 of the ALK gene, results from a G to T substitution at nucleotide position 394. The valine at codon 132 is replaced by leucine, an amino acid with highly similar properties. This amino acid position is not well conserved in available vertebrate species. In addition, this alteration is predicted to be tolerated by in silico analysis. Based on the available evidence, the clinical significance of this variant remains unclear.

Labcorp Genetics (formerly Invitae), Labcorp
Classification: Uncertain significance for Neuroblastoma, susceptibility to, 3. Last evaluated: 2023-05-14. Review status: criteria provided, single submitter. Criteria: Invitae Variant Classification Sherloc (09022015). Collection method: clinical testing. Allele origin: germline.
Comment: In summary, the available evidence is currently insufficient to determine the role of this variant in disease. Therefore, it has been classified as a Variant of Uncertain Significance. An algorithm developed to predict the effect of missense changes on protein structure and function (PolyPhen-2) suggests that this variant is likely to be tolerated. ClinVar contains an entry for this variant (Variation ID: 648415). This variant has not been reported in the literature in individuals affected with ALK-related conditions. This variant is not present in population databases (gnomAD no frequency). This sequence change replaces valine, which is neutral and non-polar, with leucine, which is neutral and non-polar, at codon 132 of the ALK protein (p.Val132Leu).

NM_004304.5(ALK):c.394G>T (p.Val132Leu)

Gene: ALK (ALK receptor tyrosine kinase; minus strand). Cytogenetic location: 2p23.1.
Variant type: single nucleotide variant.
Coding change: c.394G>T on transcript NM_004304.5 (MANE Select); coding-DNA position 394, G replaced by T.
Protein change: p.Val132Leu; replaces valine 132 with leucine.
Molecular consequence: missense variant.
Genome position (GRCh38, 1-based): chr2:29,920,266, C>A on the plus strand (G>T on the coding strand, the complement: ALK is on the minus strand). VCF-style: chr2-29920266-C-A. GRCh37 (hg19) VCF-style: chr2-30143132-C-A.
Other names: short protein forms V132L.
Identifiers: ClinVar variation 648415 (VCV000648415.11), dbSNP rs1262491330, ClinGen allele CA346590130.
Genomic context (GRCh38, chr2:29,920,266, plus strand): 5'-CCAAGATCGCCTCCTCGCCCAGCTCCAGCACCAACTGCTTGGCACGCCGGAGCTTGCGCA[C>A]GGAGCCGCCCTTCAGCACCCTGGACAGCGTCCGGGCCTCTGCCGGGGCTGGTGAACCGGC-3'
Protein context (NP_004295.2, residues 122-142): TLSRVLKGGS[Val132Leu]RKLRRAKQLV